The following is an entry in ClinVar:

ClinVar aggregate classification (germline): Uncertain significance. Review status: criteria provided, multiple submitters, no conflicts (2 of 4 stars). 2 submissions from 2 submitters: Uncertain significance (2). Last evaluated 2025-06-07.

Allele frequency attached by ClinVar (database versions not stated): gnomAD exomes below 0.00001 and 0.00001; ExAC 0.00001; gnomAD 0.00001.
gnomAD v4.1: 4 of 1,613,816 alleles (0.00025%); highest among the groups gnomAD compares: Admixed American, 0.005%; no homozygotes.

Submissions (2):

Ambry Genetics
Classification: Uncertain significance. Last evaluated: 2025-06-07. Review status: criteria provided, single submitter. Criteria: Ambry Variant Classification Scheme 2023. Collection method: clinical testing. Allele origin: germline.
Comment: The p.G375A variant (also known as c.1124G>C), located in coding exon 9 of the RINT1 gene, results from a G to C substitution at nucleotide position 1124. The glycine at codon 375 is replaced by alanine, an amino acid with similar properties. This amino acid position is well conserved in available vertebrate species. In addition, this alteration is predicted to be tolerated by in silico analysis. Since supporting evidence is limited at this time, the clinical significance of this alteration remains unclear.

Labcorp Genetics (formerly Invitae), Labcorp
Classification: Uncertain significance. Last evaluated: 2023-08-20. Review status: criteria provided, single submitter. Criteria: Invitae Variant Classification Sherloc (09022015). Collection method: clinical testing. Allele origin: germline.
Comment: In summary, the available evidence is currently insufficient to determine the role of this variant in disease. Therefore, it has been classified as a Variant of Uncertain Significance. Algorithms developed to predict the effect of missense changes on protein structure and function output the following: SIFT: "Not Available"; PolyPhen-2: "Possibly Damaging"; Align-GVGD: "Not Available". The alanine amino acid residue is found in multiple mammalian species, which suggests that this missense change does not adversely affect protein function. ClinVar contains an entry for this variant (Variation ID: 1011334). This variant has not been reported in the literature in individuals affected with RINT1-related conditions. This variant is present in population databases (rs757929342, gnomAD 0.003%). This sequence change replaces glycine, which is neutral and non-polar, with alanine, which is neutral and non-polar, at codon 375 of the RINT1 protein (p.Gly375Ala).

NM_021930.6(RINT1):c.1124G>C (p.Gly375Ala)

Gene: RINT1 (RAD50 interactor 1; plus strand). Cytogenetic location: 7q22.3.
Variant type: single nucleotide variant.
Coding change: c.1124G>C on transcript NM_021930.6 (MANE Select); coding-DNA position 1124, G replaced by C.
Protein change: p.Gly375Ala; replaces glycine 375 with alanine.
Molecular consequence: missense variant. On other transcripts: non-coding transcript variant (1).
Genome position (GRCh38, 1-based): chr7:105,550,277, G>C. VCF-style: chr7-105550277-G-C. GRCh37 (hg19) VCF-style: chr7-105190724-G-C.
Other names: c.890G>C, p.Gly297Ala (NM_001346599.2); c.101G>C, p.Gly34Ala (NM_001346600.2, NM_001346603.2); c.200G>C, p.Gly67Ala (NM_001346601.2); short protein forms G297A, G34A, G375A, G67A.
Identifiers: ClinVar variation 1011334 (VCV001011334.12), dbSNP rs757929342, ClinGen allele CA4426611.